The following is an entry in ClinVar:

ClinVar aggregate classification (germline): Likely benign. Review status: reviewed by expert panel (3 of 4 stars). 4 submissions from 4 submitters: Likely benign (1). 3 of the submissions do not count toward it. Last evaluated 2023-04-14.

Conditions:
CDKL5 disorder. Identifiers: MedGen CN296942, MONDO:0100039.
Developmental and epileptic encephalopathy, 2 (DEE2). Also called: INFANTILE SPASM SYNDROME, X-LINKED 2; CDKL5 deficiency disorder. Identifiers: Orphanet 1934, Orphanet 3451, Orphanet 505652, MedGen C4750718, MONDO:0010396, OMIM 300672.
Angelman syndrome-like. Identifiers: MedGen CN128785.

Allele frequency attached by ClinVar (database versions not stated): gnomAD exomes 0.00001 and below 0.00001; TOPMed 0.00002; gnomAD 0.00001.
gnomAD v4.1: 6 of 1,204,977 alleles (0.0005%); highest among the groups gnomAD compares: Admixed American, 0.0044%; no homozygotes.

Submissions (4):

ClinGen Rett and Angelman-like Disorders Variant Curation Expert Panel
Classification: Likely benign for CDKL5 disorder. Last evaluated: 2023-04-14. Review status: reviewed by expert panel. Criteria: ClinGen RettAS ACMG Specifications V2. Collection method: curation. Allele origin: germline. Inheritance: X-linked inheritance.
Comment: The p.Ser796= variant is observed in at least 2 unaffected individuals (GeneDx internal database) (BS2). In summary, the p.Ser796= variant in CDKL5 is classified as likely benign based on the ACMG/AMP criteria (BS2, BP5).

Labcorp Genetics (formerly Invitae), Labcorp
Classification: Likely benign for Developmental and epileptic encephalopathy, 2; Angelman syndrome-like. Last evaluated: 2024-03-21. Review status: criteria provided, single submitter. Criteria: Invitae Variant Classification Sherloc (09022015). Collection method: clinical testing. Allele origin: germline. Not counted in ClinVar's aggregate classification.

Eurofins Ntd Llc (ga)
Classification: Uncertain significance. Last evaluated: 2016-05-27. Review status: criteria provided, single submitter. Criteria: EGL Classification Definitions 2015. Collection method: clinical testing. Allele origin: germline. Observed: 2 variant alleles, 2 heterozygotes. Not counted in ClinVar's aggregate classification.

GeneDx
Classification: Benign. Last evaluated: 2015-04-01. Review status: criteria provided, single submitter. Criteria: GeneDx Variant Classification (06012015). Collection method: clinical testing. Allele origin: germline. Affected: yes. Not counted in ClinVar's aggregate classification.
Comment: This variant is considered likely benign or benign based on one or more of the following criteria: it is a conservative change, it occurs at a poorly conserved position in the protein, it is predicted to be benign by multiple in silico algorithms, and/or has population frequency not consistent with disease.

NM_001323289.2(CDKL5):c.2388C>T (p.Ser796=)

Gene: CDKL5 (cyclin dependent kinase like 5; plus strand). Cytogenetic location: Xp22.13.
Variant type: single nucleotide variant.
Coding change: c.2388C>T on transcript NM_001323289.2 (MANE Select); coding-DNA position 2388, C replaced by T.
Protein change: p.Ser796=; no amino-acid change (serine 796 retained).
Molecular consequence: synonymous variant.
Genome position (GRCh38, 1-based): chrX:18,625,139, C>T. VCF-style: chrX-18625139-C-T. GRCh37 (hg19) VCF-style: chrX-18643259-C-T.
Other names: NM_001323289.2(CDKL5):c.2388C>T; p.Ser796=; c.2388C>T, p.Ser796= (NM_001037343.2, NM_003159.3).
Identifiers: ClinVar variation 166821 (VCV000166821.14), dbSNP rs727503847, ClinGen allele CA233657.